The following is an entry in ClinVar:

NM_153603.4(COG7):c.850A>T (p.Ile284Phe)

Gene: COG7 (component of oligomeric golgi complex 7; minus strand). Cytogenetic location: 16p12.2.
Variant type: single nucleotide variant.
Coding change: c.850A>T on transcript NM_153603.4 (MANE Select); coding-DNA position 850, A replaced by T.
Protein change: p.Ile284Phe; replaces isoleucine 284 with phenylalanine.
Molecular consequence: missense variant.
Genome position (GRCh38, 1-based): chr16:23,424,908, T>A on the plus strand (A>T on the coding strand, the complement: COG7 is on the minus strand). VCF-style: chr16-23424908-T-A. GRCh37 (hg19) VCF-style: chr16-23436229-T-A.
Other names: short protein forms I284F.
Identifiers: ClinVar variation 96524 (VCV000096524.18), dbSNP rs115605801, ClinGen allele CA224200.

ClinVar aggregate classification (germline): Conflicting classifications of pathogenicity. Review status: criteria provided, conflicting classifications (1 of 4 stars). 3 submissions from 3 submitters: Uncertain significance (1); Likely benign (1). 1 of the submissions does not count toward it. Last evaluated 2026-01-06.

Conditions:
COG7-related disorder. Also called: COG7-related condition.
COG7 congenital disorder of glycosylation (CDG2E). Also called: CONGENITAL DISORDER OF GLYCOSYLATION, TYPE IIe; CDG IIe. Identifiers: Orphanet 79333, MedGen C2931010, MONDO:0012118, OMIM 608779.

Allele frequency attached by ClinVar (database versions not stated): ExAC 0.00036; 1000 Genomes Project 0.00140; gnomAD exomes 0.00028 and 0.00010; TOPMed 0.00108; 1000 Genomes Project 30x 0.00125; ESP Exome Variant Server 0.00139; gnomAD 0.00088 and 0.00094.

Submissions (3):

Labcorp Genetics (formerly Invitae), Labcorp
Classification: Likely benign for COG7 congenital disorder of glycosylation. Last evaluated: 2026-01-06. Review status: criteria provided, single submitter. Criteria: Invitae Variant Classification Sherloc (09022015). Collection method: clinical testing. Allele origin: germline.

Eurofins Ntd Llc (ga)
Classification: Uncertain significance. Last evaluated: 2012-07-25. Review status: criteria provided, single submitter. Criteria: EGL Classification Definitions 2015. Collection method: clinical testing. Allele origin: germline. Observed: 1 variant allele, 1 heterozygote.

PreventionGenetics, part of Exact Sciences
Classification: Likely benign for COG7-related condition. Last evaluated: 2022-03-28. Review status: no assertion criteria provided. Collection method: clinical testing. Allele origin: germline. Not counted in ClinVar's aggregate classification.
Comment: This variant is classified as likely benign based on ACMG/AMP sequence variant interpretation guidelines (Richards et al. 2015 PMID: 25741868, with internal and published modifications).